The following is an entry in ClinVar:

ClinVar aggregate classification (germline): Likely benign. Review status: criteria provided, multiple submitters, no conflicts (2 of 4 stars). 2 submissions from 2 submitters: Likely benign (2). Last evaluated 2023-12-12.

Conditions:
Joubert syndrome 20 (JBTS20). Identifiers: Orphanet 475, MedGen C3554235, MONDO:0013994, OMIM 614970.
Meckel syndrome, type 11 (MKS11). Identifiers: Orphanet 564, MedGen C3809352, MONDO:0014164, OMIM 615397.

Allele frequency attached by ClinVar (database versions not stated): TOPMed 0.00001; gnomAD 0.00002 and 0.00003; gnomAD exomes 0.00002 and 0.00004; ExAC 0.00007.

Submissions (2):

Labcorp Genetics (formerly Invitae), Labcorp
Classification: Likely benign for Joubert syndrome 20; Meckel syndrome, type 11. Last evaluated: 2023-12-12. Review status: criteria provided, single submitter. Criteria: Invitae Variant Classification Sherloc (09022015). Collection method: clinical testing. Allele origin: germline.

GeneDx
Classification: Likely benign. Last evaluated: 2017-06-16. Review status: criteria provided, single submitter. Criteria: GeneDx Variant Classification (06012015). Collection method: clinical testing. Allele origin: germline. Affected: yes.
Comment: This variant is considered likely benign or benign based on one or more of the following criteria: it is a conservative change, it occurs at a poorly conserved position in the protein, it is predicted to be benign by multiple in silico algorithms, and/or has population frequency not consistent with disease.

NM_001077418.3(TMEM231):c.140-35C>T

Genes: TMEM231 (transmembrane protein 231; minus strand), LOC130059440 (ATAC-STARR-seq lymphoblastoid silent region 7724; plus strand). Cytogenetic location: 16q23.1.
Variant type: single nucleotide variant.
Coding change: c.140-35C>T on transcript NM_001077418.3 (MANE Select); 35 bases into the intron before coding-DNA position 140, C replaced by T.
Molecular consequence: intron variant. On other transcripts: synonymous variant (1).
Genome position (GRCh38, 1-based): chr16:75,556,008, G>A on the plus strand (C>T on the coding strand, the complement: TMEM231 is on the minus strand). VCF-style: chr16-75556008-G-A. GRCh37 (hg19) VCF-style: chr16-75589906-G-A.
Other names: c.264C>T, p.Leu88= (NM_001077416.2).
Identifiers: ClinVar variation 510275 (VCV000510275.4), dbSNP rs750621210, ClinGen allele CA8176283.